The following is an entry in ClinVar:

ClinVar aggregate classification (germline): Uncertain significance (1 of 4 stars; one submission).

gnomAD v4.1: 4 of 1,614,090 alleles (0.00025%); highest among the groups gnomAD compares: Admixed American, 0.0067%; no homozygotes.

Submission:

Labcorp Genetics (formerly Invitae), Labcorp
Classification: Uncertain significance. Last evaluated: 2022-06-17. Review status: criteria provided, single submitter. Criteria: Invitae Variant Classification Sherloc (09022015). Collection method: clinical testing. Allele origin: germline.
Comment: This variant has not been reported in the literature in individuals affected with KIF20A-related conditions. This variant is not present in population databases (gnomAD no frequency). This sequence change replaces threonine, which is neutral and polar, with isoleucine, which is neutral and non-polar, at codon 239 of the KIF20A protein (p.Thr239Ile). In summary, the available evidence is currently insufficient to determine the role of this variant in disease. Therefore, it has been classified as a Variant of Uncertain Significance. Algorithms developed to predict the effect of missense changes on protein structure and function (SIFT, PolyPhen-2, Align-GVGD) all suggest that this variant is likely to be disruptive.

NM_005733.3(KIF20A):c.716C>T (p.Thr239Ile)

Gene: KIF20A (kinesin family member 20A; plus strand). Cytogenetic location: 5q31.2.
Variant type: single nucleotide variant.
Coding change: c.716C>T on transcript NM_005733.3 (MANE Select); coding-DNA position 716, C replaced by T.
Protein change: p.Thr239Ile; replaces threonine 239 with isoleucine.
Molecular consequence: missense variant.
Genome position (GRCh38, 1-based): chr5:138,182,874, C>T. VCF-style: chr5-138182874-C-T. GRCh37 (hg19) VCF-style: chr5-137518563-C-T.
Other names: short protein forms T239I.
Identifiers: ClinVar variation 2168728 (VCV002168728.4), dbSNP rs571617605, ClinGen allele CA361113848.
Genomic context (GRCh38, chr5:138,182,874, plus strand): 5'-AAATCTCGGGGAAGTTTTGTGCTTACCTTCTCCCTGTGCCCCTCCAGGAGGAGCTGTCCA[C>T]TTCCTTGAAGAGGAGTGTCTACATCGAAAGTCGGATAGGTACCAGCACCAGCTTCGACAG-3'
Protein context (NP_005724.1, residues 229-249): NGGLQEEELS[Thr239Ile]SLKRSVYIES